The following is an entry in ClinVar:

ClinVar aggregate classification (germline): Conflicting classifications of pathogenicity. Review status: criteria provided, conflicting classifications (1 of 4 stars). 3 submissions from 3 submitters: Likely pathogenic (2); Uncertain significance (1). Last evaluated 2025-11-10.

Conditions:
Hereditary cancer-predisposing syndrome. Also called: Hereditary Cancer Syndrome; Neoplastic Syndromes, Hereditary; Tumor predisposition; Hereditary neoplastic syndrome. Identifiers: Orphanet 140162, MedGen C0027672, MeSH D009386, MONDO:0015356.
Neurofibromatosis, type 1 (NF1). Also called: Neurofibromatosis, type I; VON RECKLINGHAUSEN DISEASE; NEUROFIBROMATOSIS, TYPE I, SOMATIC; Peripheral type neurofibromatosis. Identifiers: Orphanet 636, MedGen C0027831, MONDO:0018975, OMIM 162200. Disease mechanism: loss of function.

Submissions (3):

Labcorp Genetics (formerly Invitae), Labcorp
Classification: Uncertain significance for Neurofibromatosis, type 1. Last evaluated: 2025-11-10. Review status: criteria provided, single submitter. Criteria: Invitae Variant Classification Sherloc (09022015). Collection method: clinical testing. Allele origin: germline.
Comment: This sequence change replaces leucine, which is neutral and non-polar, with arginine, which is basic and polar, at codon 357 of the NF1 protein (p.Leu357Arg). This variant is not present in population databases (gnomAD no frequency). This variant has not been reported in the literature in individuals affected with NF1-related conditions. ClinVar contains an entry for this variant (Variation ID: 232517). Invitae Evidence Modeling of protein sequence and biophysical properties (such as structural, functional, and spatial information, amino acid conservation, physicochemical variation, residue mobility, and thermodynamic stability) indicates that this missense variant is expected to disrupt NF1 protein function with a positive predictive value of 95%. In summary, the available evidence is currently insufficient to determine the role of this variant in disease. Therefore, it has been classified as a Variant of Uncertain Significance.

GeneDx
Classification: Likely pathogenic. Last evaluated: 2023-01-10. Review status: criteria provided, single submitter. Criteria: GeneDx Variant Classification Process June 2021. Collection method: clinical testing. Allele origin: germline. Affected: yes.
Comment: Not observed at significant frequency in large population cohorts (gnomAD); In silico analysis supports that this missense variant has a deleterious effect on protein structure/function; Has not been previously published as pathogenic or benign to our knowledge

Ambry Genetics
Classification: Likely pathogenic for Hereditary cancer-predisposing syndrome. Last evaluated: 2015-07-02. Review status: criteria provided, single submitter. Criteria: Ambry Autosomal Dominant and X-Linked criteria (10/2015). Collection method: clinical testing. Allele origin: germline. Observed: 1 variant allele.
Comment: The p.L357R variant (also known as c.1070T>G), located in coding exon 10 of the NF1 gene, results from a T to G substitution at nucleotide position 1070. The leucine at codon 357 is replaced by arginine, an amino acid with dissimilar properties. One study identified this alteration in one patient out of 521 patients with neurofibromatosis (FahsoldR, Am. J. Hum. Genet. 2000 Mar; 66(3):790-818). In addition, this alteration showed perfect segregation with eight individuals in one family with neurofibromatosis. The alteration was present in six affected individuals across three generations, and was not detected in two healthy individuals (MessiaenL, J. Med. Genet. 2003 Feb; 40(2):122-6). This variant was not reported in population based cohorts in the following databases: Database of Single Nucleotide Polymorphisms (dbSNP), NHLBI Exome Sequencing Project (ESP), and 1000 Genomes Project. In the ESP, this variant was not observed in 6502 samples (13004 alleles) with coverage at this position. To date, this alteration has been detected with an allele frequency of approximately 0.002% (greater than 55000 alleles tested) in our clinical cohort.In addition, this alteration is predicted to be deleterious by in silico analysis.Based on the majority of available evidence to date, this variant is likely to be pathogenic.

Literature cited by the submitters: PubMed 10712197 (cited by Ambry Genetics); PubMed 12566521 (cited by Ambry Genetics).

NM_001042492.3(NF1):c.1070T>G (p.Leu357Arg)

Gene: NF1 (neurofibromin 1; plus strand). Cytogenetic location: 17q11.2.
Variant type: single nucleotide variant.
Coding change: c.1070T>G on transcript NM_001042492.3 (MANE Select); coding-DNA position 1070, T replaced by G.
Protein change: p.Leu357Arg; replaces leucine 357 with arginine.
Molecular consequence: missense variant.
Genome position (GRCh38, 1-based): chr17:31,201,044, T>G. VCF-style: chr17-31201044-T-G. GRCh37 (hg19) VCF-style: chr17-29528062-T-G.
Other names: c.1070T>G, p.Leu357Arg (NM_000267.4, NM_001128147.3); short protein forms L357R.
Identifiers: ClinVar variation 232517 (VCV000232517.14), dbSNP rs137854563, ClinGen allele CA10580209.